The following is an entry in ClinVar:

ClinVar aggregate classification (germline): Uncertain significance. Review status: criteria provided, multiple submitters, no conflicts (2 of 4 stars). 2 submissions from 2 submitters: Uncertain significance (2). Last evaluated 2023-12-05.

Conditions:
Hereditary cancer-predisposing syndrome. Also called: Tumor predisposition; Neoplastic Syndromes, Hereditary; Hereditary neoplastic syndrome; Hereditary Cancer Syndrome. Identifiers: Orphanet 140162, MedGen C0027672, MeSH D009386, MONDO:0015356.
Familial cancer of breast. Also called: hereditary breast carcinoma; BREAST CANCER, FAMILIAL; Hereditary breast cancer. Identifiers: Orphanet 227535, MedGen C0346153, MONDO:0016419, OMIM 114480. Disease mechanism: loss of function.

Submissions (2):

Color Diagnostics, LLC DBA Color Health
Classification: Uncertain significance for Hereditary cancer-predisposing syndrome. Last evaluated: 2023-12-05. Review status: criteria provided, single submitter. Criteria: ACMG Guidelines, 2015. Collection method: clinical testing. Allele origin: germline.
Comment: This missense variant replaces serine with arginine at codon 691 of the PALB2 protein. Computational prediction suggests that this variant may not impact protein structure and function (internally defined REVEL score threshold <= 0.5, PMID: 27666373). To our knowledge, functional studies have not been reported for this variant. This variant has not been reported in individuals affected with PALB2-related disorders in the literature. This variant has not been identified in the general population by the Genome Aggregation Database (gnomAD). The available evidence is insufficient to determine the role of this variant in disease conclusively. Therefore, this variant is classified as a Variant of Uncertain Significance.

Labcorp Genetics (formerly Invitae), Labcorp
Classification: Uncertain significance for Familial cancer of breast. Last evaluated: 2019-10-15. Review status: criteria provided, single submitter. Criteria: Invitae Variant Classification Sherloc (09022015). Collection method: clinical testing. Allele origin: germline.
Comment: In summary, the available evidence is currently insufficient to determine the role of this variant in disease. Therefore, it has been classified as a Variant of Uncertain Significance. Algorithms developed to predict the effect of missense changes on protein structure and function output the following: SIFT: "Tolerated"; PolyPhen-2: "Benign"; Align-GVGD: "Class C0". The arginine amino acid residue is found in multiple mammalian species, suggesting that this missense change does not adversely affect protein function. These predictions have not been confirmed by published functional studies and their clinical significance is uncertain. This variant has not been reported in the literature in individuals with PALB2-related conditions. ClinVar contains an entry for this variant (Variation ID: 631393). This variant is not present in population databases (ExAC no frequency). This sequence change replaces serine with arginine at codon 691 of the PALB2 protein (p.Ser691Arg). The serine residue is moderately conserved and there is a moderate physicochemical difference between serine and arginine.

NM_024675.4(PALB2):c.2073C>G (p.Ser691Arg)

Gene: PALB2 (partner and localizer of BRCA2; minus strand). Cytogenetic location: 16p12.2.
Variant type: single nucleotide variant.
Coding change: c.2073C>G on transcript NM_024675.4 (MANE Select); coding-DNA position 2073, C replaced by G.
Protein change: p.Ser691Arg; replaces serine 691 with arginine.
Molecular consequence: missense variant.
Genome position (GRCh38, 1-based): chr16:23,630,081, G>C on the plus strand (C>G on the coding strand, the complement: PALB2 is on the minus strand). VCF-style: chr16-23630081-G-C. GRCh37 (hg19) VCF-style: chr16-23641402-G-C.
Other names: short protein forms S691R.
Identifiers: ClinVar variation 631393 (VCV000631393.15), dbSNP rs1567218173, ClinGen allele CA395126615.
Genomic context (GRCh38, chr16:23,630,081, plus strand): 5'-AACCGTATTTAAAGGAGTATAAAGTAATATGGATGAAGAAAGGCCCGTCTTTGTATGCTG[G>C]CTTTGCGAGTTTGGCCTTTTGGGATGTGATTTTCCTGGTAGAACAATAAGGTCCTCTTCT-3'
Protein context (NP_078951.2, residues 681-701): KSHPKRPNSQ[Ser691Arg]QHTKTGLSSS